The following is an entry in ClinVar:

NM_001009944.3(PKD1):c.9371T>A (p.Val3124Asp)

Gene: PKD1 (polycystin 1, transient receptor potential channel interacting; minus strand). Cytogenetic location: 16p13.3.
Variant type: single nucleotide variant.
Coding change: c.9371T>A on transcript NM_001009944.3 (MANE Select); coding-DNA position 9371, T replaced by A.
Protein change: p.Val3124Asp; replaces valine 3124 with aspartic acid.
Molecular consequence: missense variant.
Genome position (GRCh38, 1-based): chr16:2,102,087, A>T on the plus strand (T>A on the coding strand, the complement: PKD1 is on the minus strand). VCF-style: chr16-2102087-A-T. GRCh37 (hg19) VCF-style: chr16-2152088-A-T.
Other names: c.9371T>A, p.Val3124Asp (NM_000296.4); short protein forms V3124D.
Identifiers: ClinVar variation 4533247 (VCV004533247.1).

ClinVar aggregate classification (germline): Likely pathogenic (1 of 4 stars; one submission).

Conditions:
Polycystic kidney disease, adult type (PKD1). Also called: Polycystic Kidney, Autosomal Dominant; POLYCYSTIC KIDNEY DISEASE, ADULT, TYPE I; Polycystic Kidney Disease 1, Autosomal Dominant; Polycystic kidney disease 1; Polycystic kidney disease 1, severe; POLYCYSTIC KIDNEY DISEASE 1 WITH OR WITHOUT POLYCYSTIC LIVER DISEASE. Identifiers: MedGen C3149841, MONDO:0008263, OMIM 173900.

Submission:

Juno Genomics, Hangzhou Juno Genomics, Inc
Classification: Likely pathogenic for Polycystic kidney disease, adult type. Review status: criteria provided, single submitter. Criteria: ACMG Guidelines, 2015. Collection method: clinical testing. Allele origin: germline. Affected: yes.
Comment: Absent from controls (or at extremely low frequency if recessive) in Genome Aggregation Database, Exome Sequencing Project, 1000 Genomes Project, or Exome Aggregation Consortium.;Multiple lines of computational evidence support a deleterious effect on the gene or gene product (conservation, evolutionary, splicing impact, etc).;Patient's phenotype or family history is highly specific for a disease with a single genetic etiology.